The following is an entry in ClinVar:

NM_000179.3(MSH6):c.2776C>G (p.Leu926Val)

Gene: MSH6 (mutS homolog 6; plus strand). Cytogenetic location: 2p16.3.
Variant type: single nucleotide variant.
Coding change: c.2776C>G on transcript NM_000179.3 (MANE Select); coding-DNA position 2776, C replaced by G.
Protein change: p.Leu926Val; replaces leucine 926 with valine.
Molecular consequence: missense variant.
Genome position (GRCh38, 1-based): chr2:47,800,759, C>G. VCF-style: chr2-47800759-C-G. GRCh37 (hg19) VCF-style: chr2-48027898-C-G.
Other names: c.2386C>G, p.Leu796Val (NM_001281492.2); c.1870C>G, p.Leu624Val (NM_001281493.2, NM_001281494.2); c.2776C>G (NM_000179.2); short protein forms L796V, L926V, L624V.
Identifiers: ClinVar variation 1408208 (VCV001408208.7), dbSNP rs587781318, ClinGen allele CA346755470.
Genomic context (GRCh38, chr2:47,800,759, plus strand): 5'-ACTGTAGAATTGAACCGATGGGATACAGCCTTTGACCATGAAAAGGCTCGAAAGACTGGA[C>G]TTATTACTCCCAAAGCAGGCTTTGACTCTGATTATGACCAAGCTCTTGCTGACATAAGAG-3'
Protein context (NP_000170.1, residues 916-936): FDHEKARKTG[Leu926Val]ITPKAGFDSD

ClinVar aggregate classification (germline): Uncertain significance. Review status: criteria provided, multiple submitters, no conflicts (2 of 4 stars). 2 submissions from 2 submitters: Uncertain significance (2). Last evaluated 2025-04-14.

Conditions:
Hereditary nonpolyposis colorectal neoplasms. Identifiers: MedGen C0009405, MeSH D003123.
Lynch syndrome 5 (LYNCH5). Also called: Hereditary non-polyposis colorectal cancer, type 5; Colorectal cancer, hereditary nonpolyposis, type 5. Identifiers: Orphanet 144, MedGen C1833477, MONDO:0013710, OMIM 614350. Disease mechanism: loss of function.

Submissions (2):

Molecular Pathology, Peter Maccallum Cancer Centre
Classification: Uncertain significance for Lynch syndrome 5. Last evaluated: 2025-04-14. Review status: criteria provided, single submitter. Criteria: ACMG Guidelines, 2015. Collection method: clinical testing. Allele origin: germline. Inheritance: Autosomal dominant inheritance.

Labcorp Genetics (formerly Invitae), Labcorp
Classification: Uncertain significance for Hereditary nonpolyposis colorectal neoplasms. Last evaluated: 2021-07-30. Review status: criteria provided, single submitter. Criteria: Invitae Variant Classification Sherloc (09022015). Collection method: clinical testing. Allele origin: germline.
Comment: This variant is not present in population databases (ExAC no frequency). In summary, the available evidence is currently insufficient to determine the role of this variant in disease. Therefore, it has been classified as a Variant of Uncertain Significance. Advanced modeling of protein sequence and biophysical properties (such as structural, functional, and spatial information, amino acid conservation, physicochemical variation, residue mobility, and thermodynamic stability) performed at Invitae indicates that this missense variant is not expected to disrupt MSH6 protein function. This variant has not been reported in the literature in individuals affected with MSH6-related conditions. This sequence change replaces leucine with valine at codon 926 of the MSH6 protein (p.Leu926Val). The leucine residue is weakly conserved and there is a small physicochemical difference between leucine and valine.